The following is an entry in ClinVar:

ClinVar aggregate classification (germline): Uncertain significance (1 of 4 stars; one submission).

Conditions:
Epileptic encephalopathy. Identifiers: MedGen C0543888, HP:0200134.

Submission:

Labcorp Genetics (formerly Invitae), Labcorp
Classification: Uncertain significance for Epileptic encephalopathy. Last evaluated: 2021-02-04. Review status: criteria provided, single submitter. Criteria: Invitae Variant Classification Sherloc (09022015). Collection method: clinical testing. Allele origin: germline.
Comment: This variant is not present in population databases (ExAC no frequency). This sequence change replaces aspartic acid with histidine at codon 638 of the RYR3 protein (p.Asp638His). The aspartic acid residue is highly conserved and there is a moderate physicochemical difference between aspartic acid and histidine. This variant has not been reported in the literature in individuals with RYR3-related conditions. Algorithms developed to predict the effect of missense changes on protein structure and function are either unavailable or do not agree on the potential impact of this missense change (SIFT: "Deleterious"; PolyPhen-2: "Benign"; Align-GVGD: "Class C65"). In summary, the available evidence is currently insufficient to determine the role of this variant in disease. Therefore, it has been classified as a Variant of Uncertain Significance.

NM_001036.6(RYR3):c.1912G>C (p.Asp638His)

Gene: RYR3 (ryanodine receptor 3; plus strand). Cytogenetic location: 15q14.
Variant type: single nucleotide variant.
Coding change: c.1912G>C on transcript NM_001036.6 (MANE Select); coding-DNA position 1912, G replaced by C.
Protein change: p.Asp638His; replaces aspartic acid 638 with histidine.
Molecular consequence: missense variant.
Genome position (GRCh38, 1-based): chr15:33,601,542, G>C. VCF-style: chr15-33601542-G-C. GRCh37 (hg19) VCF-style: chr15-33893743-G-C.
Other names: c.1912G>C, p.Asp638His (NM_001243996.4); short protein forms D638H.
Identifiers: ClinVar variation 1043906 (VCV001043906.9), dbSNP rs781281296, ClinGen allele CA391562273.